The following is an entry in ClinVar:

ClinVar aggregate classification (germline): Uncertain significance (1 of 4 stars; one submission).

Conditions:
Primary dilated cardiomyopathy (DCM). Also called: Dilated Cardiomyopathy. Identifiers: Orphanet 217604, MedGen C0007193, MeSH D002311, MONDO:0005021, HP:0001644. Inheritance: Various modes of inheritance.

gnomAD v4.1: 1 of 1,610,130 alleles (0.000062%); no homozygotes.

Submission:

Labcorp Genetics (formerly Invitae), Labcorp
Classification: Uncertain significance for Primary dilated cardiomyopathy. Last evaluated: 2024-10-04. Review status: criteria provided, single submitter. Criteria: Invitae Variant Classification Sherloc (09022015). Collection method: clinical testing. Allele origin: germline.
Comment: This sequence change replaces proline, which is neutral and non-polar, with leucine, which is neutral and non-polar, at codon 279 of the NEBL protein (p.Pro279Leu). This variant is not present in population databases (gnomAD no frequency). This variant has not been reported in the literature in individuals affected with NEBL-related conditions. An algorithm developed to predict the effect of missense changes on protein structure and function outputs the following: PolyPhen-2: "Benign". The leucine amino acid residue is found in multiple mammalian species, which suggests that this missense change does not adversely affect protein function. In summary, the available evidence is currently insufficient to determine the role of this variant in disease. Therefore, it has been classified as a Variant of Uncertain Significance.

NM_006393.3(NEBL):c.836C>T (p.Pro279Leu)

Gene: NEBL (nebulette; minus strand). Cytogenetic location: 10p12.31.
Variant type: single nucleotide variant.
Coding change: c.836C>T on transcript NM_006393.3 (MANE Select); coding-DNA position 836, C replaced by T.
Protein change: p.Pro279Leu; replaces proline 279 with leucine.
Molecular consequence: missense variant. On other transcripts: intron variant (9).
Genome position (GRCh38, 1-based): chr10:20,858,307, G>A on the plus strand (C>T on the coding strand, the complement: NEBL is on the minus strand). VCF-style: chr10-20858307-G-A. GRCh37 (hg19) VCF-style: chr10-21147236-G-A.
Other names: c.250-45367C>T (NM_001377326.1, NM_001377327.1, NM_001377328.1); c.358-45367C>T (NM_213569.2, NM_001173484.2, NM_001377322.1); c.301-45367C>T (NM_001377324.1); c.292-45367C>T (NM_001377325.1); c.310-45367C>T (NM_001377323.1); short protein forms P279L.
Identifiers: ClinVar variation 3686548 (VCV003686548.2).